The following is an entry in ClinVar:

NM_182961.4(SYNE1):c.24530G>A (p.Ser8177Asn)

Gene: SYNE1 (spectrin repeat containing nuclear envelope protein 1; minus strand). Cytogenetic location: 6q25.2.
Variant type: single nucleotide variant.
Coding change: c.24530G>A on transcript NM_182961.4 (MANE Select); coding-DNA position 24530, G replaced by A.
Protein change: p.Ser8177Asn; replaces serine 8177 with asparagine.
Molecular consequence: missense variant.
Genome position (GRCh38, 1-based): chr6:152,149,589, C>T on the plus strand (G>A on the coding strand, the complement: SYNE1 is on the minus strand). VCF-style: chr6-152149589-C-T. GRCh37 (hg19) VCF-style: chr6-152470724-C-T.
Other names: c.1136G>A, p.Ser379Asn (NM_001347701.2); c.995G>A, p.Ser332Asn (NM_001347702.2); c.24317G>A, p.Ser8106Asn (NM_033071.5); short protein forms S379N, S8177N, S332N, S8106N.
Identifiers: ClinVar variation 4788323 (VCV004788323.1).

ClinVar aggregate classification (germline): Uncertain significance (1 of 4 stars; one submission).

Conditions:
Autosomal recessive ataxia, Beauce type. Also called: SYNE1-Related Autosomal Recessive Cerebellar Ataxia; Spinocerebellar ataxia, autosomal recessive 8; ATAXIA, RECESSIVE, OF BEAUCE; SYNE1 Deficiency. Identifiers: Orphanet 88644, MedGen C1853116, MONDO:0012549, OMIM 610743.
Emery-Dreifuss muscular dystrophy 4, autosomal dominant (EDMD4). Also called: EMERY-DREIFUSS MUSCULAR DYSTROPHY 4 WITH VARIABLE FEATURES. Identifiers: Orphanet 261, MedGen C2751807, MONDO:0013071, OMIM 612998.

gnomAD v4.1: 2 of 1,614,172 alleles (0.00012%); highest among the groups gnomAD compares: Non-Finnish European, 0.00017%; no homozygotes.

Submission:

Labcorp Genetics (formerly Invitae), Labcorp
Classification: Uncertain significance for Emery-Dreifuss muscular dystrophy 4, autosomal dominant; Autosomal recessive ataxia, Beauce type. Last evaluated: 2026-01-25. Review status: criteria provided, single submitter. Criteria: Invitae Variant Classification Sherloc (09022015). Collection method: clinical testing. Allele origin: germline.
Comment: This sequence change replaces serine, which is neutral and polar, with asparagine, which is neutral and polar, at codon 8106 of the SYNE1 protein (p.Ser8106Asn). This variant is not present in population databases (gnomAD no frequency). This missense change has been observed in individual(s) with cerebellar ataxia or spasticity (PMID: 31692161). An algorithm developed to predict the effect of missense changes on protein structure and function (PolyPhen-2) suggests that this variant is likely to be disruptive. In summary, the available evidence is currently insufficient to determine the role of this variant in disease. Therefore, it has been classified as a Variant of Uncertain Significance.

Literature cited by the submitters: PubMed 31692161.